The following is an entry in ClinVar:

ClinVar aggregate classification (germline): Conflicting classifications of pathogenicity. Review status: criteria provided, conflicting classifications (1 of 4 stars). 5 submissions from 5 submitters: Uncertain significance (1); Likely benign (3). 1 of the submissions does not count toward it. Last evaluated 2025-02-24.

Conditions:
Pallister-Hall syndrome (PHS). Also called: GLI3-Related Pallister-Hall Syndrome; HYPOTHALAMIC HAMARTOBLASTOMA, HYPOPITUITARISM, IMPERFORATE ANUS, AND POSTAXIAL POLYDACTYLY. Identifiers: Orphanet 672, MedGen C0265220, MONDO:0007804, OMIM 146510.
Greig cephalopolysyndactyly syndrome (GCPS). Also called: Greig syndrome; POLYSYNDACTYLY WITH PECULIAR SKULL SHAPE; GLI3-Related Greig Cephalopolysyndactyly Syndrome. Identifiers: Orphanet 380, MedGen C0265306, MONDO:0008287, OMIM 175700.
Polydactyly, postaxial, type A1. Identifiers: MedGen C4282400, MONDO:0008266, OMIM 174200.
Polysyndactyly 4. Also called: Polysyndactyly uncomplicated; Preaxial polydactyly 4. Identifiers: Orphanet 93338, MedGen C1868111, MONDO:0008272, OMIM 174700.
GLI3-related disorder. Also called: GLI3-related disorders; GLI3-related condition. Identifiers: MedGen CN239292.

Allele frequency attached by ClinVar (database versions not stated): gnomAD 0.00003; ExAC 0.00005; gnomAD exomes 0.00008.
gnomAD v4.1: 124 of 1,603,728 alleles (0.0077%); highest among the groups gnomAD compares: Middle Eastern, 0.016%; no homozygotes.

Submissions (6):

Labcorp Genetics (formerly Invitae), Labcorp
Classification: Uncertain significance for Pallister-Hall syndrome; Greig cephalopolysyndactyly syndrome. Last evaluated: 2025-02-24. Review status: criteria provided, single submitter. Criteria: Invitae Variant Classification Sherloc (09022015). Collection method: clinical testing. Allele origin: germline.
Comment: This sequence change falls in intron 4 of the GLI3 gene. It does not directly change the encoded amino acid sequence of the GLI3 protein. It affects a nucleotide within the consensus splice site. This variant is present in population databases (rs750653037, gnomAD 0.008%). This variant has not been reported in the literature in individuals affected with GLI3-related conditions. ClinVar contains an entry for this variant (Variation ID: 2039161). Variants that disrupt the consensus splice site are a relatively common cause of aberrant splicing (PMID: 17576681, 9536098). Algorithms developed to predict the effect of sequence changes on RNA splicing suggest that this variant is not likely to affect RNA splicing. In summary, the available evidence is currently insufficient to determine the role of this variant in disease. Therefore, it has been classified as a Variant of Uncertain Significance.

Laboratory of Genetics, Children's Clinical University Hospital Latvia
Classification: Likely benign. Last evaluated: 2025-02-16. Review status: criteria provided, single submitter. Criteria: ACMG Guidelines, 2015. Collection method: clinical testing. Allele origin: germline. Affected: yes.

Fulgent Genetics
Classification: Likely benign for Pallister-Hall syndrome; Polydactyly, postaxial, type A1; Polysyndactyly 4; Greig cephalopolysyndactyly syndrome. Last evaluated: 2024-06-17. Review status: criteria provided, single submitter. Criteria: ACMG Guidelines, 2015. Collection method: clinical testing. Allele origin: germline.

Blueprint Genetics
Classification: Likely benign. Last evaluated: 2023-12-07. Review status: criteria provided, single submitter. Criteria: ACMG Guidelines, 2015. Collection method: clinical testing. Allele origin: germline.

PreventionGenetics, part of Exact Sciences
Classification: Likely benign for GLI3-related condition. Last evaluated: 2022-07-05. Review status: no assertion criteria provided. Collection method: clinical testing. Allele origin: germline. Not counted in ClinVar's aggregate classification.
Comment: This variant is classified as likely benign based on ACMG/AMP sequence variant interpretation guidelines (Richards et al. 2015 PMID: 25741868, with internal and published modifications).

Dr. Peter K. Rogan Lab, Western University
No classification provided (evidence only). Condition: Familial cancer of breast. Review status: no classification provided. Collection method: in vitro. Allele origin: not applicable. Functional consequence: skipped exon, retained intron. Not counted in ClinVar's aggregate classification.

Literature cited by the submitters: PubMed 17576681 (cited by Labcorp Genetics (formerly Invitae), Labcorp); PubMed 9536098 (cited by Labcorp Genetics (formerly Invitae), Labcorp).

NM_000168.6(GLI3):c.474-3C>T

Gene: GLI3 (GLI family zinc finger 3; minus strand). Cytogenetic location: 7p14.1.
Variant type: single nucleotide variant.
Coding change: c.474-3C>T on transcript NM_000168.6 (MANE Select); 3 bases into the intron before coding-DNA position 474, C replaced by T.
Molecular consequence: intron variant.
Genome position (GRCh38, 1-based): chr7:42,048,699, G>A on the plus strand (C>T on the coding strand, the complement: GLI3 is on the minus strand). VCF-style: chr7-42048699-G-A. GRCh37 (hg19) VCF-style: chr7-42088298-G-A.
Other names: c.474-3C>T (NM_000168.5).
Identifiers: ClinVar variation 2039161 (VCV002039161.10), dbSNP rs750653037, ClinGen allele CA4231167.
Genomic context (GRCh38, chr7:42,048,699, plus strand): 5'-GGAGATCCTAATGAAGGGCAGGTCCGGATACGTAGGGCTACTAGATAAGGCGGAAGTCCT[G>A]GGTACAAAGAAAACCAGATACAAGGGGTATGCATGAGACAAATATCTCCACAGGCAGAGG-3'